The following is an entry in ClinVar:

NM_032638.5(GATA2):c.1089C>G (p.Asn363Lys)

Gene: GATA2 (GATA binding protein 2; minus strand). Cytogenetic location: 3q21.3.
Variant type: single nucleotide variant.
Coding change: c.1089C>G on transcript NM_032638.5 (MANE Select); coding-DNA position 1089, C replaced by G.
Protein change: p.Asn363Lys; replaces asparagine 363 with lysine.
Molecular consequence: missense variant.
Genome position (GRCh38, 1-based): chr3:128,481,873, G>C on the plus strand (C>G on the coding strand, the complement: GATA2 is on the minus strand). VCF-style: chr3-128481873-G-C. GRCh37 (hg19) VCF-style: chr3-128200716-G-C.
Other names: c.1089C>G, p.Asn363Lys (NM_001145661.2); c.1047C>G, p.Asn349Lys (NM_001145662.1); short protein forms N363K, N349K.
Identifiers: ClinVar variation 2941683 (VCV002941683.3), dbSNP rs753914237, ClinGen allele CA354413563.

ClinVar aggregate classification (germline): Uncertain significance (1 of 4 stars; one submission).

Conditions:
Deafness-lymphedema-leukemia syndrome. Also called: Lymphedema, primary, with myelodysplasia; Emberger syndrome. Identifiers: Orphanet 3226, MedGen C3279664, MONDO:0013540, OMIM 614038.
Monocytopenia with susceptibility to infections. Also called: MONOCYTOPENIA AND MYCOBACTERIAL INFECTION SYNDROME; MONOCYTOPENIA WITH SUSCEPTIBILITY TO MYCOBACTERIAL, FUNGAL, AND PAPILLOMAVIRUS INFECTIONS AND MYELODYSPLASIA; COMBINED IMMUNODEFICIENCY WITH SUSCEPTIBILITY TO MYCOBACTERIAL, VIRAL, AND FUNGAL INFECTIONS; Dendritic cell, monocyte, B lymphocyte, and natural killer lymphocyte deficiency; IMMUNODEFICIENCY 21; GATA2 DEFICIENCY. Identifiers: Orphanet 228423, MedGen C3280030, MONDO:0013607, OMIM 614172.

gnomAD v4.1: 1 of 1,613,974 alleles (0.000062%); no homozygotes.

Submission:

Labcorp Genetics (formerly Invitae), Labcorp
Classification: Uncertain significance for Monocytopenia with susceptibility to infections; Deafness-lymphedema-leukemia syndrome. Last evaluated: 2022-11-20. Review status: criteria provided, single submitter. Criteria: Invitae Variant Classification Sherloc (09022015). Collection method: clinical testing. Allele origin: germline.
Comment: In summary, the available evidence is currently insufficient to determine the role of this variant in disease. Therefore, it has been classified as a Variant of Uncertain Significance. Algorithms developed to predict the effect of missense changes on protein structure and function (SIFT, PolyPhen-2, Align-GVGD) all suggest that this variant is likely to be disruptive. This variant has not been reported in the literature in individuals affected with GATA2-related conditions. This variant is not present in population databases (gnomAD no frequency). This sequence change replaces asparagine, which is neutral and polar, with lysine, which is basic and polar, at codon 363 of the GATA2 protein (p.Asn363Lys).